The following is an entry in ClinVar:

ClinVar aggregate classification (germline): Uncertain significance (1 of 4 stars; one submission).

Submission:

Labcorp Genetics (formerly Invitae), Labcorp
Classification: Uncertain significance. Last evaluated: 2022-06-29. Review status: criteria provided, single submitter. Criteria: Invitae Variant Classification Sherloc (09022015). Collection method: clinical testing. Allele origin: germline.
Comment: This sequence change replaces serine, which is neutral and polar, with proline, which is neutral and non-polar, at codon 2445 of the DCHS1 protein (p.Ser2445Pro). This variant is not present in population databases (gnomAD no frequency). This variant has not been reported in the literature in individuals affected with DCHS1-related conditions. Advanced modeling of protein sequence and biophysical properties (such as structural, functional, and spatial information, amino acid conservation, physicochemical variation, residue mobility, and thermodynamic stability) performed at Invitae indicates that this missense variant is not expected to disrupt DCHS1 protein function. In summary, the available evidence is currently insufficient to determine the role of this variant in disease. Therefore, it has been classified as a Variant of Uncertain Significance.

NM_003737.4(DCHS1):c.7333T>C (p.Ser2445Pro)

Gene: DCHS1 (dachsous cadherin-related 1; minus strand). Cytogenetic location: 11p15.4.
Variant type: single nucleotide variant.
Coding change: c.7333T>C on transcript NM_003737.4 (MANE Select); coding-DNA position 7333, T replaced by C.
Protein change: p.Ser2445Pro; replaces serine 2445 with proline.
Molecular consequence: missense variant.
Genome position (GRCh38, 1-based): chr11:6,624,343, A>G on the plus strand (T>C on the coding strand, the complement: DCHS1 is on the minus strand). VCF-style: chr11-6624343-A-G. GRCh37 (hg19) VCF-style: chr11-6645574-A-G.
Other names: short protein forms S2445P.
Identifiers: ClinVar variation 2120634 (VCV002120634.4), dbSNP rs1183733952, ClinGen allele CA379483291.